The following is an entry in ClinVar:

ClinVar aggregate classification (germline): Uncertain significance (1 of 4 stars; one submission).

Conditions:
Cohen syndrome (COH1). Also called: PEPPER SYNDROME; Cutis verticis gyrata, retinitis pigmentosa, and sensorineural deafness. Identifiers: Orphanet 193, MedGen C0265223, MONDO:0008999, OMIM 216550.

Submission:

Labcorp Genetics (formerly Invitae), Labcorp
Classification: Uncertain significance for Cohen syndrome. Last evaluated: 2022-06-22. Review status: criteria provided, single submitter. Criteria: Invitae Variant Classification Sherloc (09022015). Collection method: clinical testing. Allele origin: germline.
Comment: This sequence change replaces valine, which is neutral and non-polar, with leucine, which is neutral and non-polar, at codon 1975 of the VPS13B protein (p.Val1975Leu). This variant is not present in population databases (gnomAD no frequency). This variant has not been reported in the literature in individuals affected with VPS13B-related conditions. Algorithms developed to predict the effect of missense changes on protein structure and function are either unavailable or do not agree on the potential impact of this missense change (SIFT: "Not Available"; PolyPhen-2: "Benign"; Align-GVGD: "Not Available"). In summary, the available evidence is currently insufficient to determine the role of this variant in disease. Therefore, it has been classified as a Variant of Uncertain Significance.

NM_152564.5(VPS13B):c.5848G>C (p.Val1950Leu)

Gene: VPS13B (vacuolar protein sorting 13 homolog B; plus strand). Cytogenetic location: 8q22.2.
Variant type: single nucleotide variant.
Coding change: c.5848G>C on transcript NM_152564.5 (MANE Select); coding-DNA position 5848, G replaced by C.
Protein change: p.Val1950Leu; replaces valine 1950 with leucine.
Molecular consequence: missense variant.
Genome position (GRCh38, 1-based): chr8:99,642,438, G>C. VCF-style: chr8-99642438-G-C. GRCh37 (hg19) VCF-style: chr8-100654666-G-C.
Other names: c.5923G>C, p.Val1975Leu (NM_017890.5); short protein forms V1950L, V1975L.
Identifiers: ClinVar variation 1992217 (VCV001992217.1), dbSNP rs2491208777, ClinGen allele CA371873445.
Genomic context (GRCh38, chr8:99,642,438, plus strand): 5'-CTGTACTTTATTGTGTCCCAGCCTTCCTTGCTTCTGAGTTGTCACCACAGAAAGCAGCGA[G>C]TGGAAGTATCCATTTTTGATGCTGTGCTTAAAGGGGTGGCCTCTGATTACAAATGTATAG-3'
Protein context (NP_689777.3, residues 1940-1960): LLSCHHRKQR[Val1950Leu]EVSIFDAVLK